The following is an entry in ClinVar:

ClinVar aggregate classification (germline): Uncertain significance. Review status: criteria provided, multiple submitters, no conflicts (2 of 4 stars). 2 submissions from 2 submitters: Uncertain significance (2). Last evaluated 2023-06-06.

Submissions (2):

Women's Health and Genetics/Laboratory Corporation of America, LabCorp
Classification: Uncertain significance. Last evaluated: 2023-06-06. Review status: criteria provided, single submitter. Criteria: LabCorp Variant Classification Summary - May 2015. Collection method: clinical testing. Allele origin: germline.
Comment: Variant summary: CRB1 c.2093G>A (p.Cys698Tyr) results in a non-conservative amino acid change in the encoded protein sequence. Five of five in-silico tools predict a damaging effect of the variant on protein function. The variant was absent in 249624 control chromosomes in GnomAD. The available data on variant occurrences in the general population are insufficient to allow any conclusion about variant significance. These data do not allow any conclusion about variant significance. To our knowledge, no experimental evidence demonstrating an impact on protein function has been reported. The following publication have been ascertained in the context of this evaluation (PMID: 29053603). No clinical diagnostic laboratories have submitted clinical-significance assessments for this variant to ClinVar after 2014. Based on the evidence outlined above, the variant was classified as uncertain significance.

Blueprint Genetics
Classification: Uncertain significance. Last evaluated: 2022-09-01. Review status: criteria provided, single submitter. Criteria: ACMG Guidelines, 2015. Collection method: clinical testing. Allele origin: germline.

Literature cited by the submitters: PubMed 29053603 (cited by Women's Health and Genetics/Laboratory Corporation of America, LabCorp).

NM_201253.3(CRB1):c.2093G>A (p.Cys698Tyr)

Gene: CRB1 (crumbs cell polarity complex component 1; plus strand). Cytogenetic location: 1q31.3.
Variant type: single nucleotide variant.
Coding change: c.2093G>A on transcript NM_201253.3 (MANE Select); coding-DNA position 2093, G replaced by A.
Protein change: p.Cys698Tyr; replaces cysteine 698 with tyrosine.
Molecular consequence: missense variant. On other transcripts: non-coding transcript variant (2).
Genome position (GRCh38, 1-based): chr1:197,421,921, G>A. VCF-style: chr1-197421921-G-A. GRCh37 (hg19) VCF-style: chr1-197391051-G-A.
Other names: c.1757G>A, p.Cys586Tyr (NM_001193640.2); c.1886G>A, p.Cys629Tyr (NM_001257965.2); c.2093G>A, p.Cys698Tyr (NM_001257966.2); short protein forms C586Y, C629Y, C698Y.
Identifiers: ClinVar variation 2573355 (VCV002573355.2), dbSNP rs1664352629, ClinGen allele CA344034152.